The following is an entry in ClinVar:

NM_001348323.3(TRIP12):c.3812C>A (p.Ser1271Tyr)

Gene: TRIP12 (thyroid hormone receptor interactor 12; minus strand). Cytogenetic location: 2q36.3.
Variant type: single nucleotide variant.
Coding change: c.3812C>A on transcript NM_001348323.3 (MANE Select); coding-DNA position 3812, C replaced by A.
Protein change: p.Ser1271Tyr; replaces serine 1271 with tyrosine.
Molecular consequence: missense variant.
Genome position (GRCh38, 1-based): chr2:229,796,595, G>T on the plus strand (C>A on the coding strand, the complement: TRIP12 is on the minus strand). VCF-style: chr2-229796595-G-T. GRCh37 (hg19) VCF-style: chr2-230661311-G-T.
Other names: c.3731C>A, p.Ser1244Tyr (NM_001284214.2, NM_001348315.2); c.3686C>A, p.Ser1229Tyr (NM_001284215.2, NM_001348316.2, NM_001348317.1 and 1 more transcripts); c.2777C>A, p.Ser926Tyr (NM_001284216.2); c.3812C>A, p.Ser1271Tyr (NM_001348319.1, NM_001348320.2, NM_001348322.1 and 4 more transcripts); c.3815C>A, p.Ser1272Tyr (NM_001348321.1, NM_001348328.1, NM_001348329.2 and 1 more transcripts); c.3605C>A, p.Ser1202Tyr (NM_001348331.1); c.3725C>A, p.Ser1242Tyr (NM_001348332.1); c.3734C>A, p.Ser1245Tyr (NM_001348333.1); and 1 more; short protein forms S1229Y, S926Y, S1196Y, S1202Y, S1245Y, S1271Y, S1244Y, S1242Y.
Identifiers: ClinVar variation 3329014 (VCV003329014.14).

ClinVar aggregate classification (germline): Likely benign. Review status: criteria provided, multiple submitters, no conflicts (2 of 4 stars). 2 submissions from 2 submitters: Likely benign (2). Last evaluated 2025-01-01.

Conditions:
Inborn genetic diseases. Identifiers: MedGen C0950123, MeSH D030342.

gnomAD v4.1: 253 of 1,584,836 alleles (0.016%); highest among the groups gnomAD compares: Non-Finnish European, 0.021%; no homozygotes.

Submissions (2):

CeGaT Center for Human Genetics Tuebingen
Classification: Likely benign. Last evaluated: 2025-01-01. Review status: criteria provided, single submitter. Criteria: CeGaT Center For Human Genetics Tuebingen Variant Classification Criteria Version 2. Collection method: clinical testing. Allele origin: germline. Affected: yes. Observed: 1 variant allele.
Comment: TRIP12: BS2

Ambry Genetics
Classification: Likely benign for Inborn genetic diseases. Last evaluated: 2024-05-13. Review status: criteria provided, single submitter. Criteria: Ambry Variant Classification Scheme 2023. Collection method: clinical testing. Allele origin: germline.